The following is an entry in ClinVar:

NM_000398.7(CYB5R3):c.870C>T (p.His290=)

Gene: CYB5R3 (cytochrome b5 reductase 3; minus strand). Cytogenetic location: 22q13.2.
Variant type: single nucleotide variant.
Coding change: c.870C>T on transcript NM_000398.7 (MANE Select); coding-DNA position 870, C replaced by T.
Protein change: p.His290=; no amino-acid change (histidine 290 retained).
Molecular consequence: synonymous variant.
Genome position (GRCh38, 1-based): chr22:42,619,809, G>A on the plus strand (C>T on the coding strand, the complement: CYB5R3 is on the minus strand). VCF-style: chr22-42619809-G-A. GRCh37 (hg19) VCF-style: chr22-43015815-G-A.
Other names: c.870C>T, p.His290= (NM_001031678.1); c.801C>T, p.His267= (NM_001129819.2, NM_001171661.1, NM_007326.4); c.969C>T, p.His323= (NM_001171660.2); c.870C>T (NM_000398.6).
Identifiers: ClinVar variation 2166913 (VCV002166913.7), dbSNP rs762602202, ClinGen allele CA10269563.
Genomic context (GRCh38, chr22:42,619,809, plus strand): 5'-TGGCCGTGTGACCGTGCCCGGCCCTCAGAAGACGAAGCAGCGCTCCGTGGGGTGGCCCAC[G>A]TGGTCCAGGTTGGGAAGGCAGGCGTACTGGATCATGGGTGGGGGGCCACACATCAGCACC-3'
Protein context (NP_000389.1, residues 280-300): IQYACLPNLD[His290=]VGHPTERCFV

ClinVar aggregate classification (germline): Likely benign. Review status: criteria provided, multiple submitters, no conflicts (2 of 4 stars). 3 submissions from 3 submitters: Likely benign (2). 1 of the submissions does not count toward it. Last evaluated 2024-09-09.

Conditions:
CYB5R3-related disorder. Also called: CYB5R3-related condition.

Allele frequency attached by ClinVar (database versions not stated): gnomAD 0.00001; TOPMed 0.00001; ExAC 0.00008.
gnomAD v4.1: 65 of 1,598,482 alleles (0.0041%); highest among the groups gnomAD compares: Middle Eastern, 0.016%; no homozygotes.

Submissions (3):

Labcorp Genetics (formerly Invitae), Labcorp
Classification: Likely benign. Last evaluated: 2024-09-09. Review status: criteria provided, single submitter. Criteria: Invitae Variant Classification Sherloc (09022015). Collection method: clinical testing. Allele origin: germline.

Blueprint Genetics
Classification: Likely benign. Last evaluated: 2023-01-31. Review status: criteria provided, single submitter. Criteria: ACMG Guidelines, 2015. Collection method: clinical testing. Allele origin: germline.

PreventionGenetics, part of Exact Sciences
Classification: Likely benign for CYB5R3-related condition. Last evaluated: 2019-05-31. Review status: no assertion criteria provided. Collection method: clinical testing. Allele origin: germline. Not counted in ClinVar's aggregate classification.
Comment: This variant is classified as likely benign based on ACMG/AMP sequence variant interpretation guidelines (Richards et al. 2015 PMID: 25741868, with internal and published modifications).